The following is an entry in ClinVar:

NM_000051.4(ATM):c.6562C>T (p.Leu2188Phe)

Genes: ATM (ATM serine/threonine kinase; plus strand), C11orf65 (chromosome 11 open reading frame 65; minus strand). Cytogenetic location: 11q22.3.
Variant type: single nucleotide variant.
Coding change: c.6562C>T on transcript NM_000051.4 (MANE Select); coding-DNA position 6562, C replaced by T.
Protein change: p.Leu2188Phe; replaces leucine 2188 with phenylalanine.
Molecular consequence: missense variant. On other transcripts: intron variant (2).
Genome position (GRCh38, 1-based): chr11:108,321,410, C>T. VCF-style: chr11-108321410-C-T. GRCh37 (hg19) VCF-style: chr11-108192137-C-T.
Other names: c.6562C>T, p.Leu2188Phe (NM_001351834.2); c.641-12339G>A (NM_001330368.2); c.*39-12339G>A (NM_001351110.2); short protein forms L2188F.
Identifiers: ClinVar variation 999880 (VCV000999880.9), dbSNP rs1060501682, ClinGen allele CA382554398.

ClinVar aggregate classification (germline): Uncertain significance (1 of 4 stars; one submission).

Conditions:
Ataxia-telangiectasia syndrome (AT). Also called: Ataxia-telangiectasia, complementation group D; AT, COMPLEMENTATION GROUP C; ATAXIA-TELANGIECTASIA, COMPLEMENTATION GROUP A; ATAXIA-TELANGIECTASIA, FRESNO VARIANT; Ataxia-telangiectasia; Ataxia telangiectasia (A-T). Identifiers: Orphanet 100, MedGen C0004135, MONDO:0008840, OMIM 208900.

Submission:

Labcorp Genetics (formerly Invitae), Labcorp
Classification: Uncertain significance for Ataxia-telangiectasia syndrome. Last evaluated: 2020-08-26. Review status: criteria provided, single submitter. Criteria: Invitae Variant Classification Sherloc (09022015). Collection method: clinical testing. Allele origin: germline.
Comment: In summary, the available evidence is currently insufficient to determine the role of this variant in disease. Therefore, it has been classified as a Variant of Uncertain Significance. Advanced modeling of protein sequence and biophysical properties (such as structural, functional, and spatial information, amino acid conservation, physicochemical variation, residue mobility, and thermodynamic stability) performed at Invitae indicates that this missense variant is not expected to disrupt ATM protein function. This variant has not been reported in the literature in individuals with ATM-related conditions. This variant is not present in population databases (ExAC no frequency). This sequence change replaces leucine with phenylalanine at codon 2188 of the ATM protein (p.Leu2188Phe). The leucine residue is moderately conserved and there is a small physicochemical difference between leucine and phenylalanine.